The following is an entry in ClinVar:

NM_020442.6(VARS2):c.2780C>T (p.Pro927Leu)

Gene: VARS2 (valyl-tRNA synthetase 2, mitochondrial; plus strand). Cytogenetic location: 6p21.33.
Variant type: single nucleotide variant.
Coding change: c.2780C>T on transcript NM_020442.6 (MANE Select); coding-DNA position 2780, C replaced by T.
Protein change: p.Pro927Leu; replaces proline 927 with leucine.
Molecular consequence: missense variant.
Genome position (GRCh38, 1-based): chr6:30,925,380, C>T. VCF-style: chr6-30925380-C-T. GRCh37 (hg19) VCF-style: chr6-30893157-C-T.
Other names: c.2360C>T, p.Pro787Leu (NM_001167733.3); c.2870C>T, p.Pro957Leu (NM_001167734.2); short protein forms P787L, P927L, P957L.
Identifiers: ClinVar variation 4773575 (VCV004773575.1).

ClinVar aggregate classification (germline): Uncertain significance (1 of 4 stars; one submission).

gnomAD v4.1: 15 of 1,609,160 alleles (0.00093%); highest among the groups gnomAD compares: Non-Finnish European, 0.0013%; no homozygotes.

Submission:

Labcorp Genetics (formerly Invitae), Labcorp
Classification: Uncertain significance. Last evaluated: 2025-07-25. Review status: criteria provided, single submitter. Criteria: Invitae Variant Classification Sherloc (09022015). Collection method: clinical testing. Allele origin: germline.
Comment: This sequence change replaces proline, which is neutral and non-polar, with leucine, which is neutral and non-polar, at codon 957 of the VARS2 protein (p.Pro957Leu). This variant is not present in population databases (gnomAD no frequency). This variant has not been reported in the literature in individuals affected with VARS2-related conditions. Invitae Evidence Modeling of protein sequence and biophysical properties (such as structural, functional, and spatial information, amino acid conservation, physicochemical variation, residue mobility, and thermodynamic stability) indicates that this missense variant is not expected to disrupt VARS2 protein function with a negative predictive value of 80%. In summary, the available evidence is currently insufficient to determine the role of this variant in disease. Therefore, it has been classified as a Variant of Uncertain Significance.